The following is an entry in ClinVar:

ClinVar aggregate classification (germline): Uncertain significance (1 of 4 stars; one submission).

Conditions:
Congenital glucose-galactose malabsorption (GGM). Also called: DIARRHEA 16; MONOSACCHARIDE MALABSORPTION. Identifiers: Orphanet 35710, MedGen C0268186, MONDO:0011731, OMIM 606824.

Submission:

Labcorp Genetics (formerly Invitae), Labcorp
Classification: Uncertain significance for Congenital glucose-galactose malabsorption. Last evaluated: 2023-08-30. Review status: criteria provided, single submitter. Criteria: Invitae Variant Classification Sherloc (09022015). Collection method: clinical testing. Allele origin: germline.
Comment: In summary, the available evidence is currently insufficient to determine the role of this variant in disease. Therefore, it has been classified as a Variant of Uncertain Significance. Advanced modeling of protein sequence and biophysical properties (such as structural, functional, and spatial information, amino acid conservation, physicochemical variation, residue mobility, and thermodynamic stability) performed at Invitae indicates that this missense variant is expected to disrupt SLC5A1 protein function. ClinVar contains an entry for this variant (Variation ID: 1508147). This variant has not been reported in the literature in individuals affected with SLC5A1-related conditions. This variant is not present in population databases (gnomAD no frequency). This sequence change replaces alanine, which is neutral and non-polar, with serine, which is neutral and polar, at codon 344 of the SLC5A1 protein (p.Ala344Ser).

NM_000343.4(SLC5A1):c.1030G>T (p.Ala344Ser)

Gene: SLC5A1 (solute carrier family 5 member 1; plus strand). Cytogenetic location: 22q12.3.
Variant type: single nucleotide variant.
Coding change: c.1030G>T on transcript NM_000343.4 (MANE Select); coding-DNA position 1030, G replaced by T.
Protein change: p.Ala344Ser; replaces alanine 344 with serine.
Molecular consequence: missense variant.
Genome position (GRCh38, 1-based): chr22:32,086,228, G>T. VCF-style: chr22-32086228-G-T. GRCh37 (hg19) VCF-style: chr22-32482215-G-T.
Other names: c.649G>T, p.Ala217Ser (NM_001256314.2); short protein forms A217S, A344S.
Identifiers: ClinVar variation 1508147 (VCV001508147.8), dbSNP rs2149492818, ClinGen allele CA411306625.